The following is an entry in ClinVar:

NM_001723.7(DST):c.7946C>T (p.Ser2649Phe)

Gene: DST (dystonin; minus strand). Cytogenetic location: 6p12.1.
Variant type: single nucleotide variant.
Coding change: c.7946C>T on transcript NM_001723.7 (MANE Plus Clinical); coding-DNA position 7946, C replaced by T.
Protein change: p.Ser2649Phe; replaces serine 2649 with phenylalanine.
Molecular consequence: missense variant. On other transcripts: intron variant (10).
Genome position (GRCh38, 1-based): chr6:56,615,521, G>A on the plus strand (C>T on the coding strand, the complement: DST is on the minus strand). VCF-style: chr6-56615521-G-A. GRCh37 (hg19) VCF-style: chr6-56480319-G-A.
Other names: c.4831-1037C>T (NM_001144769.5); c.4930-1037C>T (NM_001374722.1, NM_001374736.1); c.4957-1037C>T (NM_001374734.1); c.4417-1037C>T (NM_001144770.2); c.4297-1037C>T (NM_001374730.1, NM_001386100.1, NM_183380.4 and 1 more transcripts); c.3319-1037C>T (NM_015548.5); short protein forms S2649F.
Identifiers: ClinVar variation 658213 (VCV000658213.8), dbSNP rs773910675, ClinGen allele CA3869871.
Genomic context (GRCh38, chr6:56,615,521, plus strand): 5'-AAAGTGGCATGAACCAGCCTGCATCACCCCTTGCACAGTTATTTAAACATGTCCCATTAG[G>A]AAGAATAGTAGAGGCTAGAAATTCCTGTCATCAGGGGCTCAGATACTTCTAACAGTTTAA-3'
Protein context (NP_001714.1, residues 2639-2649): MTGISSLYYS[Ser2649Phe]

ClinVar aggregate classification (germline): Uncertain significance. Review status: criteria provided, multiple submitters, no conflicts (2 of 4 stars). 3 submissions from 3 submitters: Uncertain significance (3). Last evaluated 2024-09-18.

Conditions:
Epidermolysis bullosa simplex 3, localized or generalized intermediate, with BP230 deficiency (EBS3). Also called: Epidermolysis bullosa simplex, autosomal recessive 2; Epidermolysis bullosa simplex due to BP230 deficiency. Identifiers: Orphanet 412181, MedGen C3809470, MONDO:0014180, OMIM 615425.
Hereditary sensory and autonomic neuropathy type 6. Also called: HSAN VI; Neuropathy, hereditary sensory and autonomic, type VI. Identifiers: Orphanet 314381, MedGen C3539003, MONDO:0013839, OMIM 614653.

Allele frequency attached by ClinVar (database versions not stated): gnomAD 0.00003 and 0.00004; TOPMed 0.00003; gnomAD exomes 0.00008 and 0.00009; ExAC 0.00010.
gnomAD v4.1: 127 of 1,613,976 alleles (0.0079%); highest among the groups gnomAD compares: Middle Eastern, 0.066%; no homozygotes.

Submissions (3):

Blueprint Genetics
Classification: Uncertain significance. Last evaluated: 2024-09-18. Review status: criteria provided, single submitter. Criteria: ACMG Guidelines, 2015. Collection method: clinical testing. Allele origin: germline.

GeneDx
Classification: Uncertain significance. Last evaluated: 2024-08-04. Review status: criteria provided, single submitter. Criteria: GeneDx Variant Classification Process June 2021. Collection method: clinical testing. Allele origin: germline. Affected: yes.
Comment: In silico analysis indicates that this missense variant does not alter protein structure/function; Has not been previously published as pathogenic or benign to our knowledge; Reported using the transcript encoding the epithelial isoform of the gene.

Labcorp Genetics (formerly Invitae), Labcorp
Classification: Uncertain significance for Epidermolysis bullosa simplex 3, localized or generalized intermediate, with BP230 deficiency; Hereditary sensory and autonomic neuropathy type 6. Last evaluated: 2022-03-09. Review status: criteria provided, single submitter. Criteria: Invitae Variant Classification Sherloc (09022015). Collection method: clinical testing. Allele origin: germline.
Comment: This sequence change replaces serine, which is neutral and polar, with phenylalanine, which is neutral and non-polar, at codon 2649 of the DST protein (p.Ser2649Phe). This variant is present in population databases (rs773910675, gnomAD 0.04%). This variant has not been reported in the literature in individuals affected with DST-related conditions. ClinVar contains an entry for this variant (Variation ID: 658213). Algorithms developed to predict the effect of missense changes on protein structure and function are either unavailable or do not agree on the potential impact of this missense change (SIFT: "Tolerated"; PolyPhen-2: "Probably Damaging"; Align-GVGD: "Class C0"). In summary, the available evidence is currently insufficient to determine the role of this variant in disease. Therefore, it has been classified as a Variant of Uncertain Significance.